The following is an entry in ClinVar:

ClinVar aggregate classification (germline): Uncertain significance (1 of 4 stars; one submission).

Conditions:
Cardiovascular phenotype. Identifiers: MedGen CN230736.
Hereditary cancer-predisposing syndrome. Also called: Neoplastic Syndromes, Hereditary; Tumor predisposition; Hereditary neoplastic syndrome; Hereditary Cancer Syndrome. Identifiers: Orphanet 140162, MedGen C0027672, MeSH D009386, MONDO:0015356.

gnomAD v4.1: 1 of 1,613,930 alleles (0.000062%); highest among the groups gnomAD compares: East Asian, 0.0022%; no homozygotes.

Submission:

Ambry Genetics
Classification: Uncertain significance for Cardiovascular phenotype; Hereditary cancer-predisposing syndrome. Last evaluated: 2026-07-30. Review status: criteria provided, single submitter. Criteria: Ambry Variant Classification Scheme 2023. Collection method: clinical testing. Allele origin: germline.
Comment: The p.P1930L variant (also known as c.5789C>T), located in coding exon 39 of the NF1 gene, results from a C to T substitution at nucleotide position 5789. The proline at codon 1930 is replaced by leucine, an amino acid with similar properties. This amino acid position is conserved. In addition, this alteration is predicted to be deleterious by in silico analysis. Based on the available evidence, the clinical significance of this variant remains unclear.

NM_001042492.3(NF1):c.5852C>T (p.Pro1951Leu)

Gene: NF1 (neurofibromin 1; plus strand). Cytogenetic location: 17q11.2.
Variant type: single nucleotide variant.
Coding change: c.5852C>T on transcript NM_001042492.3 (MANE Select); coding-DNA position 5852, C replaced by T.
Protein change: p.Pro1951Leu; replaces proline 1951 with leucine.
Molecular consequence: missense variant.
Genome position (GRCh38, 1-based): chr17:31,334,877, C>T. VCF-style: chr17-31334877-C-T. GRCh37 (hg19) VCF-style: chr17-29661895-C-T.
Other names: c.5789C>T, p.Pro1930Leu (NM_000267.4); short protein forms P1930L, P1951L.
Identifiers: ClinVar variation 5025601 (VCV005025601.1).